The following is an entry in ClinVar:

ClinVar aggregate classification (germline): Likely pathogenic. Review status: criteria provided, single submitter (1 of 4 stars). 2 submissions from 2 submitters: Likely pathogenic (1). 1 of the submissions does not count toward it. Last evaluated 2025-12-31.

Conditions:
Gaucher disease. Also called: Acute cerebral Gaucher disease; Cerebroside lipidosis syndrome; Gaucher splenomegaly; Sphingolipidosis 1; Glucocerebrosidosis; Glucosylceramidase deficiency. Identifiers: Orphanet 355, MedGen C0017205, MONDO:0018150.
Gaucher disease type III. Also called: GAUCHER DISEASE, CHRONIC NEURONOPATHIC TYPE; GAUCHER DISEASE, JUVENILE AND ADULT, CEREBRAL; GAUCHER DISEASE, SUBACUTE NEURONOPATHIC TYPE; GD III; Gaucher Disease, Type 3; Subacute neuronopathic Gaucher's disease. Identifiers: Orphanet 355, Orphanet 77261, MedGen C0268251, MONDO:0009267, OMIM 231000.

Submissions (2):

Natera, Inc.
Classification: Likely pathogenic for Gaucher disease. Last evaluated: 2025-12-31. Review status: criteria provided, single submitter. Criteria: Natera Variant Classification Schema (03/2026). Collection method: clinical testing. Allele origin: germline.
Comment: The c.1174C>G variant in GBA1 is a missense variant predicted to cause substitution of arginine to glycine at amino acid 392. This variant is rare in the general population with a frequency below the threshold expected for the associated phenotype(s). This variant has been observed in one or more individuals affected with the associated recessive disease, as either homozygous or compound heterozygous with a second variant (PMID: 9650766, 28727984, 30115580). Additionally, this variant has been observed to segregate in affected family members (PMID: 9650766). A different variant at the same position has been determined to be Pathogenic or Likely Pathogenic. Computational prediction algorithms indicate this variant is likely to affect gene or protein function. Given the available evidence, this variant is classified as Likely Pathogenic.

OMIM
Classification: Pathogenic for GAUCHER DISEASE, TYPE III. Last evaluated: 1998-04-01. Review status: no assertion criteria provided. Collection method: literature only. Allele origin: germline. Not counted in ClinVar's aggregate classification.

Literature cited by the submitters: PubMed 9650766 (cited by Natera, Inc. and OMIM); PubMed 28727984 (cited by Natera, Inc.); PubMed 30115580 (cited by Natera, Inc.).

NM_000157.4(GBA1):c.1174C>G (p.Arg392Gly)

Genes: GBA1 (glucosylceramidase beta 1; minus strand), LOC106627981 (GBA recombination region; plus strand). Cytogenetic location: 1q22.
Variant type: single nucleotide variant.
Coding change: c.1174C>G on transcript NM_000157.4 (MANE Select); coding-DNA position 1174, C replaced by G.
Protein change: p.Arg392Gly; replaces arginine 392 with glycine.
Molecular consequence: missense variant.
Genome position (GRCh38, 1-based): chr1:155,236,295, G>C on the plus strand (C>G on the coding strand, the complement: GBA1 is on the minus strand). VCF-style: chr1-155236295-G-C. GRCh37 (hg19) VCF-style: chr1-155206086-G-C.
Other names: GBA, ARG353GLY; c.1174C>G, p.Arg392Gly (NM_001005741.3, NM_001005742.3); c.913C>G, p.Arg305Gly (NM_001171811.2); c.1027C>G, p.Arg343Gly (NM_001171812.2); c.1174C>G (NM_000157.3); short protein forms R392G, R343G, R305G.
Identifiers: ClinVar variation 4323 (VCV000004323.2), dbSNP rs121908308, ClinGen allele CA253101.